The following is an entry in ClinVar:

NM_000083.3(CLCN1):c.771T>A (p.Tyr257Ter)

Gene: CLCN1 (chloride voltage-gated channel 1; plus strand). Cytogenetic location: 7q34.
Variant type: single nucleotide variant.
Coding change: c.771T>A on transcript NM_000083.3 (MANE Select); coding-DNA position 771, T replaced by A.
Protein change: p.Tyr257Ter; replaces tyrosine 257 with a stop codon.
Molecular consequence: nonsense. On other transcripts: non-coding transcript variant (1).
Genome position (GRCh38, 1-based): chr7:143,323,383, T>A. VCF-style: chr7-143323383-T-A. GRCh37 (hg19) VCF-style: chr7-143020476-T-A.
Other names: short protein forms Y257*.
Identifiers: ClinVar variation 1175773 (VCV001175773.40), dbSNP rs1802495428, ClinGen allele CA369686805.

ClinVar aggregate classification (germline): Pathogenic. Review status: criteria provided, multiple submitters, no conflicts (2 of 4 stars). 4 submissions from 4 submitters: Pathogenic (3). 1 of the submissions does not count toward it. Last evaluated 2024-02-20.

Conditions:
Congenital myotonia, autosomal recessive form. Also called: BECKER DISEASE; Becker Generalized Myotonia; myotonia congenita, autosomal recessive. Identifiers: Orphanet 614, MedGen C0751360, MONDO:0009715, OMIM 255700.
Congenital myotonia, autosomal dominant form (THD). Also called: THOMSEN DISEASE; Myotonia congenita autosomal dominant. Identifiers: Orphanet 614, MedGen C2936781, MONDO:0008055, OMIM 160800.

Submissions (4):

Laboratory of Medical Genetics, National & Kapodistrian University of Athens
Classification: Pathogenic for Congenital myotonia, autosomal recessive form. Last evaluated: 2024-02-20. Review status: criteria provided, single submitter. Criteria: ACMG Guidelines, 2015. Collection method: clinical testing. Allele origin: germline. Affected: yes.

Labcorp Genetics (formerly Invitae), Labcorp
Classification: Pathogenic for Congenital myotonia, autosomal recessive form; Congenital myotonia, autosomal dominant form. Last evaluated: 2023-03-09. Review status: criteria provided, single submitter. Criteria: Invitae Variant Classification Sherloc (09022015). Collection method: clinical testing. Allele origin: germline.
Comment: For these reasons, this variant has been classified as Pathogenic. ClinVar contains an entry for this variant (Variation ID: 1175773). This premature translational stop signal has been observed in individual(s) with Becker disease (PMID: 24349310). This variant is not present in population databases (gnomAD no frequency). This sequence change creates a premature translational stop signal (p.Tyr257*) in the CLCN1 gene. It is expected to result in an absent or disrupted protein product. Loss-of-function variants in CLCN1 are known to be pathogenic (PMID: 17932099, 22094069, 23739125).

CeGaT Center for Human Genetics Tuebingen
Classification: Pathogenic. Last evaluated: 2021-05-01. Review status: criteria provided, single submitter. Criteria: CeGaT Center For Human Genetics Tuebingen Variant Classification Criteria Version 2. Collection method: clinical testing. Allele origin: germline. Affected: yes. Observed: 1 variant allele.

Department of Neurology and Geriatrics, Kagoshima University Graduate School of Medical and Dental Sciences
Classification: Uncertain significance for Congenital myotonia, autosomal recessive form. Last evaluated: 2022-04-06. Review status: no assertion criteria provided. Collection method: research. Allele origin: germline. Affected: yes. Not counted in ClinVar's aggregate classification.

Literature cited by the submitters: PubMed 24349310 (cited by Labcorp Genetics (formerly Invitae), Labcorp); PubMed 17932099 (cited by Labcorp Genetics (formerly Invitae), Labcorp); PubMed 22094069 (cited by Labcorp Genetics (formerly Invitae), Labcorp); PubMed 23739125 (cited by Labcorp Genetics (formerly Invitae), Labcorp).